The following is an entry in ClinVar:

NM_173598.6(KSR2):c.1756A>C (p.Thr586Pro)

Gene: KSR2 (kinase suppressor of ras 2; minus strand). Cytogenetic location: 12q24.22.
Variant type: single nucleotide variant.
Coding change: c.1756A>C on transcript NM_173598.6 (MANE Select); coding-DNA position 1756, A replaced by C.
Protein change: p.Thr586Pro; replaces threonine 586 with proline.
Molecular consequence: missense variant.
Genome position (GRCh38, 1-based): chr12:117,530,987, T>G on the plus strand (A>C on the coding strand, the complement: KSR2 is on the minus strand). VCF-style: chr12-117530987-T-G. GRCh37 (hg19) VCF-style: chr12-117968792-T-G.
Other names: c.1669A>C (NM_173598.4); short protein forms T586P.
Identifiers: ClinVar variation 4706528 (VCV004706528.2).

ClinVar aggregate classification (germline): Uncertain significance. Review status: criteria provided, multiple submitters, no conflicts (2 of 4 stars). 2 submissions from 2 submitters: Uncertain significance (2). Last evaluated 2026-01-08.

Conditions:
KSR2-related disorder. Also called: KSR2-related condition.

gnomAD v4.1: 1 of 1,613,580 alleles (0.000062%); highest among the groups gnomAD compares: Admixed American, 0.0017%; no homozygotes.

Submissions (2):

Labcorp Genetics (formerly Invitae), Labcorp
Classification: Uncertain significance. Last evaluated: 2026-01-08. Review status: criteria provided, single submitter. Criteria: Invitae Variant Classification Sherloc (09022015). Collection method: clinical testing. Allele origin: germline.
Comment: This sequence change replaces threonine, which is neutral and polar, with proline, which is neutral and non-polar, at codon 557 of the KSR2 protein (p.Thr557Pro). This variant is not present in population databases (gnomAD no frequency). This variant has not been reported in the literature in individuals affected with KSR2-related conditions. An algorithm developed to predict the effect of missense changes on protein structure and function (PolyPhen-2) suggests that this variant is likely to be tolerated. In summary, the available evidence is currently insufficient to determine the role of this variant in disease. Therefore, it has been classified as a Variant of Uncertain Significance.

PreventionGenetics, part of Exact Sciences
Classification: Uncertain significance for KSR2-related condition. Last evaluated: 2024-11-27. Review status: criteria provided, single submitter. Criteria: ACMG Guidelines, 2015. Collection method: clinical testing. Allele origin: germline.
Comment: The KSR2 c.1669A>C variant is predicted to result in the amino acid substitution p.Thr557Pro. To our knowledge, this variant has not been reported in the literature or in a large population database (gnomAD), indicating this variant is rare. At this time, the clinical significance of this variant is uncertain due to the absence of conclusive functional and genetic evidence.